The following is an entry in ClinVar:

ClinVar aggregate classification (germline): Uncertain significance (1 of 4 stars; one submission).

Conditions:
Inborn genetic diseases. Identifiers: MedGen C0950123, MeSH D030342.

Submission:

Ambry Genetics
Classification: Uncertain significance for Inborn genetic diseases. Last evaluated: 2024-06-05. Review status: criteria provided, single submitter. Criteria: Ambry Variant Classification Scheme 2023. Collection method: clinical testing. Allele origin: germline.
Comment: The c.4489_4491dupAGT (p.S1497dup) alteration is located in coding exon 28 of the EP300 gene. This alteration consists of an in-frame duplication of 3 nucleotides between nucleotide positions c.4489 and c.4491. This results in the insertion of a serine residue at codon 1497. This variant was not reported in population-based cohorts in the Genome Aggregation Database (gnomAD). This amino acid position is highly conserved in available vertebrate species. This alteration is predicted to be deleterious by in silico analysis (Choi, 2012). Based on insufficient or conflicting evidence, the clinical significance of this alteration remains unclear.

NM_001429.4(EP300):c.4489_4491dup (p.Ser1497_Ala1498insSer)

Gene: EP300 (E1A binding protein p300; plus strand). Cytogenetic location: 22q13.2.
Variant type: Duplication.
Coding change: c.4489_4491dup on transcript NM_001429.4 (MANE Select); coding-DNA positions 4489 to 4491, 3 bases duplicated (AGT; older notation c.4489_4491dupAGT).
Protein change: p.Ser1497_Ala1498insSer.
Molecular consequence: inframe insertion.
Genome position (GRCh38, 1-based): chr22:41,172,535-41,172,537, AGT duplicated. VCF-style (leftmost placement, unchanged base first): chr22-41172534-A-AAGT. GRCh37 (hg19) VCF-style: chr22-41568538-A-AAGT.
Other names: c.4411_4413dup, p.Ser1471_Ala1472insSer (NM_001362843.2).
Identifiers: ClinVar variation 3275602 (VCV003275602.1).